The following is an entry in ClinVar:

ClinVar aggregate classification (germline): Benign/Likely benign. Review status: criteria provided, multiple submitters, no conflicts (2 of 4 stars). 4 submissions from 4 submitters: Benign (2); Likely benign (2). Last evaluated 2026-03-01.

Allele frequency attached by ClinVar (database versions not stated): 1000 Genomes Project 0.00080; ESP Exome Variant Server 0.00092; 1000 Genomes Project 30x 0.00094; gnomAD 0.00120 and 0.00134; ExAC 0.00133; gnomAD exomes 0.00137 and 0.00148; TOPMed 0.00160.
gnomAD v4.1: 2,373 of 1,613,968 alleles (0.15%); highest among the groups gnomAD compares: Middle Eastern, 0.21%; 2 homozygotes.

Submissions (4):

CeGaT Center for Human Genetics Tuebingen
Classification: Likely benign. Last evaluated: 2026-03-01. Review status: criteria provided, single submitter. Criteria: CeGaT Center For Human Genetics Tuebingen Variant Classification Criteria Version 2. Collection method: clinical testing. Allele origin: germline. Affected: yes. Observed: 2 variant alleles.
Comment: ZIC1: BP4, BP7

Labcorp Genetics (formerly Invitae), Labcorp
Classification: Benign. Last evaluated: 2025-10-22. Review status: criteria provided, single submitter. Criteria: Invitae Variant Classification Sherloc (09022015). Collection method: clinical testing. Allele origin: germline.

Blueprint Genetics
Classification: Likely benign. Last evaluated: 2024-11-25. Review status: criteria provided, single submitter. Criteria: ACMG Guidelines, 2015. Collection method: clinical testing. Allele origin: germline.

Breakthrough Genomics
Classification: Benign. Review status: criteria provided, single submitter. Criteria: ACMG Guidelines, 2015. Collection method: not provided. Allele origin: germline. Inheritance: Autosomal dominant inheritance. Affected: yes.

NM_003412.4(ZIC1):c.945C>T (p.Arg315=)

Gene: ZIC1 (Zic family zinc finger 1; plus strand). Cytogenetic location: 3q24.
Variant type: single nucleotide variant.
Coding change: c.945C>T on transcript NM_003412.4 (MANE Select); coding-DNA position 945, C replaced by T.
Protein change: p.Arg315=; no amino-acid change (arginine 315 retained).
Molecular consequence: synonymous variant.
Genome position (GRCh38, 1-based): chr3:147,411,057, C>T. VCF-style: chr3-147411057-C-T. GRCh37 (hg19) VCF-style: chr3-147128844-C-T.
Identifiers: ClinVar variation 775204 (VCV000775204.33), dbSNP rs144436691, ClinGen allele CA2657143.